The following is an entry in ClinVar:

ClinVar aggregate classification (germline): Uncertain significance (1 of 4 stars; one submission).

Submission:

GeneDx
Classification: Uncertain significance. Last evaluated: 2023-10-19. Review status: criteria provided, single submitter. Criteria: GeneDx Variant Classification Process June 2021. Collection method: clinical testing. Allele origin: germline. Affected: yes.
Comment: Has not been previously published as pathogenic or benign to our knowledge; Not observed at significant frequency in large population cohorts (gnomAD); In silico analysis supports that this missense variant does not alter protein structure/function

NM_000075.4(CDK4):c.25G>C (p.Val9Leu)

Gene: CDK4 (cyclin dependent kinase 4; minus strand). Cytogenetic location: 12q14.1.
Variant type: single nucleotide variant.
Coding change: c.25G>C on transcript NM_000075.4 (MANE Select); coding-DNA position 25, G replaced by C.
Protein change: p.Val9Leu; replaces valine 9 with leucine.
Molecular consequence: missense variant.
Genome position (GRCh38, 1-based): chr12:57,751,693, C>G on the plus strand (G>C on the coding strand, the complement: CDK4 is on the minus strand). VCF-style: chr12-57751693-C-G. GRCh37 (hg19) VCF-style: chr12-58145476-C-G.
Other names: short protein forms V9L.
Identifiers: ClinVar variation 3363209 (VCV003363209.1).